The following is an entry in ClinVar:

ClinVar aggregate classification (germline): Uncertain significance (1 of 4 stars; one submission).

Conditions:
Early-infantile DEE. Also called: Early infantile epileptic encephalopathy with suppression bursts; Ohtahara syndrome; Early infantile epileptic encephalopathy. Identifiers: Orphanet 1934, MedGen C0393706, MONDO:0800491.

Allele frequency attached by ClinVar (database versions not stated): TOPMed 0.00002.
gnomAD v4.1: 2 of 1,610,668 alleles (0.00012%); highest among the groups gnomAD compares: African/African-American, 0.0013%; no homozygotes.

Submission:

Labcorp Genetics (formerly Invitae), Labcorp
Classification: Uncertain significance for Early-infantile DEE. Last evaluated: 2022-03-03. Review status: criteria provided, single submitter. Criteria: Invitae Variant Classification Sherloc (09022015). Collection method: clinical testing. Allele origin: germline.
Comment: In summary, the available evidence is currently insufficient to determine the role of this variant in disease. Therefore, it has been classified as a Variant of Uncertain Significance. Algorithms developed to predict the effect of missense changes on protein structure and function are either unavailable or do not agree on the potential impact of this missense change (SIFT: "Deleterious"; PolyPhen-2: "Benign"; Align-GVGD: "Class C25"). ClinVar contains an entry for this variant (Variation ID: 1002329). This variant has not been reported in the literature in individuals affected with KCNH5-related conditions. This variant is not present in population databases (gnomAD no frequency). This sequence change replaces arginine, which is basic and polar, with leucine, which is neutral and non-polar, at codon 691 of the KCNH5 protein (p.Arg691Leu).

NM_139318.5(KCNH5):c.2072G>T (p.Arg691Leu)

Gene: KCNH5 (potassium voltage-gated channel subfamily H member 5; minus strand). Cytogenetic location: 14q23.2.
Variant type: single nucleotide variant.
Coding change: c.2072G>T on transcript NM_139318.5 (MANE Select); coding-DNA position 2072, G replaced by T.
Protein change: p.Arg691Leu; replaces arginine 691 with leucine.
Molecular consequence: missense variant. On other transcripts: 3 prime UTR variant (1).
Genome position (GRCh38, 1-based): chr14:62,708,403, C>A on the plus strand (G>T on the coding strand, the complement: KCNH5 is on the minus strand). VCF-style: chr14-62708403-C-A. GRCh37 (hg19) VCF-style: chr14-63175121-C-A.
Other names: c.*39G>T (NM_172375.3); short protein forms R691L.
Identifiers: ClinVar variation 1002329 (VCV001002329.9), dbSNP rs200737420, ClinGen allele CA390101406.
Genomic context (GRCh38, chr14:62,708,403, plus strand): 5'-TGGAAGAGCTTTCTGACTGGGTGGTCCACGGGAATGCTGAGGGTCACCTCATTCTTCTGC[C>A]GGAGGCGCTCCTCCTCCTCTTTCTTCACATCACTGATCTTACGAAAGATGATCTGTGGAA-3'
Protein context (NP_647479.2, residues 681-701): DVKKEEEERL[Arg691Leu]QKNEVTLSIP